The following is an entry in ClinVar:

ClinVar aggregate classification (germline): Likely benign. Review status: criteria provided, multiple submitters, no conflicts (2 of 4 stars). 2 submissions from 2 submitters: Likely benign (2). Last evaluated 2026-03-23.

Conditions:
RPGRIP1-related disorder. Also called: RPGRIP1-related condition.
Leber congenital amaurosis 6 (LCA6). Identifiers: Orphanet 65, MedGen C1854260, MONDO:0013446, OMIM 613826.
Cone-rod dystrophy 13 (CORD13). Identifiers: Orphanet 1872, MedGen C2750720, MONDO:0011987, OMIM 608194.

Allele frequency attached by ClinVar (database versions not stated): gnomAD exomes below 0.00001 and 0.00002; ExAC 0.00002; TOPMed 0.00002; gnomAD 0.00003 and 0.00004.
gnomAD v4.1: 11 of 1,613,356 alleles (0.00068%); highest among the groups gnomAD compares: East Asian, 0.02%; no homozygotes.

Submissions (2):

PreventionGenetics, part of Exact Sciences
Classification: Likely benign for RPGRIP1-related condition. Last evaluated: 2026-03-23. Review status: criteria provided, single submitter. Criteria: ACMG Guidelines, 2015. Collection method: clinical testing. Allele origin: germline.
Comment: This variant is classified as likely benign based on ACMG/AMP sequence variant interpretation guidelines (Richards et al. 2015 PMID: 25741868, with internal and published modifications).

Labcorp Genetics (formerly Invitae), Labcorp
Classification: Likely benign for Leber congenital amaurosis 6; Cone-rod dystrophy 13. Last evaluated: 2024-05-29. Review status: criteria provided, single submitter. Criteria: Invitae Variant Classification Sherloc (09022015). Collection method: clinical testing. Allele origin: germline.

NM_020366.4(RPGRIP1):c.3451C>T (p.Leu1151=)

Gene: RPGRIP1 (RPGR interacting protein 1; plus strand). Cytogenetic location: 14q11.2.
Variant type: single nucleotide variant.
Coding change: c.3451C>T on transcript NM_020366.4 (MANE Select); coding-DNA position 3451, C replaced by T.
Protein change: p.Leu1151=; no amino-acid change (leucine 1151 retained).
Molecular consequence: synonymous variant.
Genome position (GRCh38, 1-based): chr14:21,343,147, C>T. VCF-style: chr14-21343147-C-T. GRCh37 (hg19) VCF-style: chr14-21811306-C-T.
Other names: c.1429C>T, p.Leu477= (NM_001377523.1, NM_001377950.1); c.2377C>T, p.Leu793= (NM_001377948.1); c.1537C>T, p.Leu513= (NM_001377949.1); c.934C>T, p.Leu312= (NM_001377951.1).
Identifiers: ClinVar variation 741860 (VCV000741860.10), dbSNP rs748933746, ClinGen allele CA7089519.